The following is an entry in ClinVar:

NM_005228.5(EGFR):c.2813T>C (p.Ile938Thr)

Gene: EGFR (epidermal growth factor receptor; plus strand). Cytogenetic location: 7p11.2.
Variant type: single nucleotide variant.
Coding change: c.2813T>C on transcript NM_005228.5 (MANE Select); coding-DNA position 2813, T replaced by C.
Protein change: p.Ile938Thr; replaces isoleucine 938 with threonine.
Molecular consequence: missense variant.
Genome position (GRCh38, 1-based): chr7:55,198,828, T>C. VCF-style: chr7-55198828-T-C. GRCh37 (hg19) VCF-style: chr7-55266521-T-C.
Other names: c.2678T>C, p.Ile893Thr (NM_001346897.2, NM_001346899.2); c.2813T>C, p.Ile938Thr (NM_001346898.2); c.2654T>C, p.Ile885Thr (NM_001346900.2); c.2012T>C, p.Ile671Thr (NM_001346941.2); short protein forms I885T, I938T, I671T, I893T.
Identifiers: ClinVar variation 4247294 (VCV004247294.1).

ClinVar aggregate classification (germline): Uncertain significance (1 of 4 stars; one submission).

Conditions:
Hereditary cancer-predisposing syndrome. Also called: Hereditary Cancer Syndrome; Hereditary neoplastic syndrome; Neoplastic Syndromes, Hereditary; Tumor predisposition. Identifiers: Orphanet 140162, MedGen C0027672, MeSH D009386, MONDO:0015356.

Submission:

Ambry Genetics
Classification: Uncertain significance for Hereditary cancer-predisposing syndrome. Last evaluated: 2025-07-10. Review status: criteria provided, single submitter. Criteria: Ambry Variant Classification Scheme 2023. Collection method: clinical testing. Allele origin: germline.
Comment: The p.I938T variant (also known as c.2813T>C), located in coding exon 23 of the EGFR gene, results from a T to C substitution at nucleotide position 2813. The isoleucine at codon 938 is replaced by threonine, an amino acid with similar properties. This amino acid position is conserved. In addition, the in silico prediction for this alteration is inconclusive. Based on the available evidence, the clinical significance of this variant remains unclear.